The following is an entry in ClinVar:

ClinVar aggregate classification (germline): Uncertain significance (1 of 4 stars; one submission).

Conditions:
IQGAP1-related disorder. Also called: IQGAP1-related condition.

Submission:

PreventionGenetics, part of Exact Sciences
Classification: Uncertain significance for IQGAP1-related condition. Last evaluated: 2025-10-13. Review status: criteria provided, single submitter. Criteria: ACMG Guidelines, 2015. Collection method: clinical testing. Allele origin: germline.
Comment: The IQGAP1 c.2701C>T variant is predicted to result in the amino acid substitution p.Arg901Cys. To our knowledge, this variant has not been reported in the literature or in a large population database (gnomAD), indicating this variant is rare. At this time, the clinical significance of this variant is uncertain due to the absence of conclusive functional and genetic evidence.

NM_003870.4(IQGAP1):c.2701C>T (p.Arg901Cys)

Gene: IQGAP1 (IQ motif containing GTPase activating protein 1; plus strand). Cytogenetic location: 15q26.1.
Variant type: single nucleotide variant.
Coding change: c.2701C>T on transcript NM_003870.4 (MANE Select); coding-DNA position 2701, C replaced by T.
Protein change: p.Arg901Cys; replaces arginine 901 with cysteine.
Molecular consequence: missense variant.
Genome position (GRCh38, 1-based): chr15:90,474,610, C>T. VCF-style: chr15-90474610-C-T. GRCh37 (hg19) VCF-style: chr15-91017842-C-T.
Other names: short protein forms R901C.
Identifiers: ClinVar variation 4993292 (VCV004993292.1), dbSNP rs147812120.